The following is an entry in ClinVar:

NM_000552.5(VWF):c.1093C>T (p.Arg365Ter)

Gene: VWF (von Willebrand factor; minus strand). Cytogenetic location: 12p13.31.
Variant type: single nucleotide variant.
Coding change: c.1093C>T on transcript NM_000552.5 (MANE Select); coding-DNA position 1093, C replaced by T.
Protein change: p.Arg365Ter; replaces arginine 365 with a stop codon.
Molecular consequence: nonsense.
Genome position (GRCh38, 1-based): chr12:6,072,347, G>A on the plus strand (C>T on the coding strand, the complement: VWF is on the minus strand). VCF-style: chr12-6072347-G-A. GRCh37 (hg19) VCF-style: chr12-6181513-G-A.
Other names: c.1093C>T (NM_000552.4); short protein forms R365*.
Identifiers: ClinVar variation 100172 (VCV000100172.5), dbSNP rs61754003, ClinGen allele CA228257.
Genomic context (GRCh38, chr12:6,072,347, plus strand): 5'-CCCCCAGGCAGGTCTCCCAGAGCACGCTGCGCAGCCCCCATTACCAGGTGTTGCAGTCTC[G>A]AGAGAGGGAGGTGCCGGGAGGGTAGCGCTTTCCGGAATGCACGCAGGGACACTCGGTGCT-3'

ClinVar aggregate classification (germline): Pathogenic. Review status: criteria provided, single submitter (1 of 4 stars). 3 submissions from 3 submitters: Pathogenic (1). 2 of the submissions do not count toward it. Last evaluated 2023-03-09.

Conditions:
VWF-related disorder. Also called: VWF-related condition; VWF-related disorders.
von Willebrand disease type 3 (VWD3). Also called: Type 3 Von Willebrand's disease; Type 3 VWD; Von Willebrand disease, severe form; V WD3; VON WILLEBRAND DISEASE, TYPE III. Identifiers: Orphanet 166096, MedGen C1264041, MONDO:0010191, OMIM 277480.

Allele frequency attached by ClinVar (database versions not stated): TOPMed below 0.00001; gnomAD exomes 0.00001.
gnomAD v4.1: 10 of 1,614,040 alleles (0.00062%); highest among the groups gnomAD compares: Non-Finnish European, 0.00085%; no homozygotes.

Submissions (3):

PreventionGenetics, part of Exact Sciences
Classification: Pathogenic for VWF-related condition. Last evaluated: 2023-03-09. Review status: criteria provided, single submitter. Criteria: ACMG Guidelines, 2015. Collection method: clinical testing. Allele origin: germline.
Comment: The VWF c.1093C>T variant is predicted to result in premature protein termination (p.Arg365*). This variant was reported in a family with Von Willebrand disease (Bahnak et al. 1991. PubMed ID: 1868248). This variant has not been reported in a large population database, indicating this variant is rare. Nonsense variants in VWF are expected to be pathogenic. This variant is interpreted as pathogenic.

Angelo Bianchi Bonomi Hemophilia and Thrombosis Center, Fondazione IRCCS Ca Granda Ospedale Maggiore Policlinico
Classification: Pathogenic for von Willebrand disease type 3. Last evaluated: 2021-04-12. Review status: no assertion criteria provided. Collection method: clinical testing. Allele origin: germline. Affected: yes. Study: Type 3 Von Willebrand International Registries Inhibitor Prospective Study (3WINTERS-IPS). Not counted in ClinVar's aggregate classification.

Academic Unit of Haematology, University of Sheffield
No classification provided. Review status: no classification provided. Collection method: not provided. Allele origin: not provided. Not counted in ClinVar's aggregate classification.